The following is an entry in ClinVar:

ClinVar aggregate classification (germline): Uncertain significance. Review status: criteria provided, multiple submitters, no conflicts (2 of 4 stars). 2 submissions from 2 submitters: Uncertain significance (2). Last evaluated 2022-08-10.

Conditions:
Cardiovascular phenotype. Identifiers: MedGen CN230736.
Alstrom syndrome (ALMS). Identifiers: Orphanet 64, MedGen C0268425, MONDO:0008763, OMIM 203800.

Submissions (2):

Labcorp Genetics (formerly Invitae), Labcorp
Classification: Uncertain significance for Alstrom syndrome. Last evaluated: 2022-08-10. Review status: criteria provided, single submitter. Criteria: Invitae Variant Classification Sherloc (09022015). Collection method: clinical testing. Allele origin: germline.
Comment: This sequence change replaces arginine, which is basic and polar, with glycine, which is neutral and non-polar, at codon 128 of the ALMS1 protein (p.Arg128Gly). This variant is not present in population databases (gnomAD no frequency). This variant has not been reported in the literature in individuals affected with ALMS1-related conditions. Experimental studies and prediction algorithms are not available or were not evaluated, and the functional significance of this variant is currently unknown. In summary, the available evidence is currently insufficient to determine the role of this variant in disease. Therefore, it has been classified as a Variant of Uncertain Significance.

Ambry Genetics
Classification: Uncertain significance for Cardiovascular phenotype. Last evaluated: 2022-02-14. Review status: criteria provided, single submitter. Criteria: Ambry Variant Classification Scheme 2023. Collection method: clinical testing. Allele origin: germline.
Comment: The p.R128G variant (also known as c.382A>G), located in coding exon 2 of the ALMS1 gene, results from an A to G substitution at nucleotide position 382. The arginine at codon 128 is replaced by glycine, an amino acid with dissimilar properties. This amino acid position is not well conserved in available vertebrate species. In addition, this alteration is predicted to be tolerated by in silico analysis. Since supporting evidence is limited at this time, the clinical significance of this alteration remains unclear.

NM_001378454.1(ALMS1):c.379A>G (p.Arg127Gly)

Gene: ALMS1 (ALMS1 centrosome and basal body associated protein; plus strand). Cytogenetic location: 2p13.1.
Variant type: single nucleotide variant.
Coding change: c.379A>G on transcript NM_001378454.1 (MANE Select); coding-DNA position 379, A replaced by G.
Protein change: p.Arg127Gly; replaces arginine 127 with glycine.
Molecular consequence: missense variant.
Genome position (GRCh38, 1-based): chr2:73,408,676, A>G. VCF-style: chr2-73408676-A-G. GRCh37 (hg19) VCF-style: chr2-73635804-A-G.
Other names: c.382A>G, p.Arg128Gly (NM_015120.4); short protein forms R127G, R128G.
Identifiers: ClinVar variation 1715817 (VCV001715817.4), dbSNP rs2466016599, ClinGen allele CA347257601.